The following is an entry in ClinVar:

NM_001429.4(EP300):c.4601G>A (p.Ser1534Asn)

Gene: EP300 (EP300 lysine acetyltransferase; plus strand). Cytogenetic location: 22q13.2.
Variant type: single nucleotide variant.
Coding change: c.4601G>A on transcript NM_001429.4 (MANE Select); coding-DNA position 4601, G replaced by A.
Protein change: p.Ser1534Asn; replaces serine 1534 with asparagine.
Molecular consequence: missense variant.
Genome position (GRCh38, 1-based): chr22:41,172,647, G>A. VCF-style: chr22-41172647-G-A. GRCh37 (hg19) VCF-style: chr22-41568651-G-A.
Other names: c.4523G>A, p.Ser1508Asn (NM_001362843.2); short protein forms S1508N, S1534N.
Identifiers: ClinVar variation 2444772 (VCV002444772.3), dbSNP rs2059177246, ClinGen allele CA411703593.

ClinVar aggregate classification (germline): Uncertain significance. Review status: criteria provided, multiple submitters, no conflicts (2 of 4 stars). 3 submissions from 3 submitters: Uncertain significance (3). Last evaluated 2026-08-31.

Conditions:
Inborn genetic diseases. Identifiers: MedGen C0950123, MeSH D030342.
EP300-related disorder. Also called: EP300-related condition; EP300-related disorders.

Allele frequency attached by ClinVar (database versions not stated): gnomAD exomes 0.00001.
gnomAD v4.1: 13 of 1,613,164 alleles (0.00081%); highest among the groups gnomAD compares: Non-Finnish European, 0.0011%; no homozygotes.

Submissions (3):

PreventionGenetics, part of Exact Sciences
Classification: Uncertain significance for EP300-related condition. Last evaluated: 2026-08-31. Review status: criteria provided, single submitter. Criteria: ACMG Guidelines, 2015. Collection method: clinical testing. Allele origin: germline.
Comment: The EP300 c.4601G>A variant is predicted to result in the amino acid substitution p.Ser1534Asn. To our knowledge, this variant has not been reported in the literature or in a large population database (gnomAD), indicating this variant is rare. At this time, the clinical significance of this variant is uncertain due to the absence of conclusive functional and genetic evidence.

Ambry Genetics
Classification: Uncertain significance for Inborn genetic diseases. Last evaluated: 2026-06-29. Review status: criteria provided, single submitter. Criteria: Ambry Variant Classification Scheme 2023. Collection method: clinical testing. Allele origin: germline.

GeneDx
Classification: Uncertain significance. Last evaluated: 2022-09-16. Review status: criteria provided, single submitter. Criteria: GeneDx Variant Classification Process June 2021. Collection method: clinical testing. Allele origin: germline. Affected: yes.
Comment: Not observed at significant frequency in large population cohorts (gnomAD); In silico analysis supports that this missense variant has a deleterious effect on protein structure/function; Has not been previously published as pathogenic or benign to our knowledge